The following is an entry in ClinVar:

ClinVar aggregate classification (germline): Likely benign. Review status: criteria provided, multiple submitters, no conflicts (2 of 4 stars). 3 submissions from 3 submitters: Likely benign (3). Last evaluated 2026-08-01.

Conditions:
Wilson disease (WND). Also called: Wilson's disease. Identifiers: Orphanet 905, MedGen C0019202, MONDO:0010200, OMIM 277900. Disease mechanism: loss of function.

Allele frequency attached by ClinVar (database versions not stated): gnomAD exomes below 0.00001; TOPMed below 0.00001.
gnomAD v4.1: 1 of 1,614,128 alleles (0.000062%); highest among the groups gnomAD compares: Non-Finnish European, 0.000085%; no homozygotes.

Submissions (3):

CeGaT Center for Human Genetics Tuebingen
Classification: Likely benign. Last evaluated: 2026-08-01. Review status: criteria provided, single submitter. Criteria: CeGaT Center For Human Genetics Tuebingen Variant Classification Criteria Version 2. Collection method: clinical testing. Allele origin: germline. Affected: yes. Observed: 1 variant allele.
Comment: ATP7B: BP4, BP7

Women's Health and Genetics/Laboratory Corporation of America, LabCorp
Classification: Likely benign. Last evaluated: 2024-12-06. Review status: criteria provided, single submitter. Criteria: LabCorp Variant Classification Summary - May 2015. Collection method: clinical testing. Allele origin: germline.

Labcorp Genetics (formerly Invitae), Labcorp
Classification: Likely benign for Wilson disease. Last evaluated: 2024-03-08. Review status: criteria provided, single submitter. Criteria: Invitae Variant Classification Sherloc (09022015). Collection method: clinical testing. Allele origin: germline.

NM_000053.4(ATP7B):c.1764G>A (p.Arg588=)

Gene: ATP7B (ATPase copper transporting beta; minus strand). Cytogenetic location: 13q14.3.
Variant type: single nucleotide variant.
Coding change: c.1764G>A on transcript NM_000053.4 (MANE Select); coding-DNA position 1764, G replaced by A.
Protein change: p.Arg588=; no amino-acid change (arginine 588 retained).
Molecular consequence: synonymous variant. On other transcripts: intron variant (3).
Genome position (GRCh38, 1-based): chr13:51,964,977, C>T on the plus strand (G>A on the coding strand, the complement: ATP7B is on the minus strand). VCF-style: chr13-51964977-C-T. GRCh37 (hg19) VCF-style: chr13-52539113-C-T.
Other names: c.1764G>A, p.Arg588= (NM_001005918.3, NM_001330578.2, NM_001330579.2 and 24 more transcripts); c.1431G>A, p.Arg477= (NM_001243182.2); c.1731G>A, p.Arg577= (NM_001406514.1, NM_001406524.1); c.1668G>A, p.Arg556= (NM_001406517.1, NM_001406518.1, NM_001406530.1 and 3 more transcripts); c.1335G>A, p.Arg445= (NM_001406539.1); c.1285+8958G>A (NM_001406548.1); c.1707+3467G>A (NM_001406547.1, NM_001406545.1).
Identifiers: ClinVar variation 2867796 (VCV002867796.5), dbSNP rs1951470482, ClinGen allele CA483896518.